The following is an entry in ClinVar:

NM_001364905.1(LRBA):c.5348T>C (p.Val1783Ala)

Gene: LRBA (LPS responsive beige-like anchor protein; minus strand). Cytogenetic location: 4q31.3.
Variant type: single nucleotide variant.
Coding change: c.5348T>C on transcript NM_001364905.1 (MANE Select); coding-DNA position 5348, T replaced by C.
Protein change: p.Val1783Ala; replaces valine 1783 with alanine.
Molecular consequence: missense variant.
Genome position (GRCh38, 1-based): chr4:150,808,356, A>G on the plus strand (T>C on the coding strand, the complement: LRBA is on the minus strand). VCF-style: chr4-150808356-A-G. GRCh37 (hg19) VCF-style: chr4-151729508-A-G.
Other names: c.5348T>C, p.Val1783Ala (NM_001199282.3, NM_001367550.1, NM_006726.5); short protein forms V1783A.
Identifiers: ClinVar variation 1357335 (VCV001357335.8), dbSNP rs2126724686, ClinGen allele CA358609941.

ClinVar aggregate classification (germline): Uncertain significance (1 of 4 stars; one submission).

Conditions:
Combined immunodeficiency due to LRBA deficiency. Also called: Common variable immunodeficiency 8, with autoimmunity. Identifiers: Orphanet 445018, MedGen C3553512, MONDO:0013863, OMIM 614700.

Submission:

Labcorp Genetics (formerly Invitae), Labcorp
Classification: Uncertain significance for Combined immunodeficiency due to LRBA deficiency. Last evaluated: 2020-12-18. Review status: criteria provided, single submitter. Criteria: Invitae Variant Classification Sherloc (09022015). Collection method: clinical testing. Allele origin: germline.
Comment: This sequence change replaces valine with alanine at codon 1783 of the LRBA protein (p.Val1783Ala). The valine residue is weakly conserved and there is a small physicochemical difference between valine and alanine. This variant is not present in population databases (ExAC no frequency). This variant has not been reported in the literature in individuals with LRBA-related conditions. Algorithms developed to predict the effect of missense changes on protein structure and function (SIFT, PolyPhen-2, Align-GVGD) all suggest that this variant is likely to be tolerated, but these predictions have not been confirmed by published functional studies and their clinical significance is uncertain. In summary, the available evidence is currently insufficient to determine the role of this variant in disease. Therefore, it has been classified as a Variant of Uncertain Significance.